The following is an entry in ClinVar:

NM_022552.5(DNMT3A):c.625C>T (p.Arg209Cys)

Gene: DNMT3A (DNA methyltransferase 3 alpha; minus strand). Cytogenetic location: 2p23.3.
Variant type: single nucleotide variant.
Coding change: c.625C>T on transcript NM_022552.5 (MANE Select); coding-DNA position 625, C replaced by T.
Protein change: p.Arg209Cys; replaces arginine 209 with cysteine.
Molecular consequence: missense variant. On other transcripts: non-coding transcript variant (1).
Genome position (GRCh38, 1-based): chr2:25,274,955, G>A on the plus strand (C>T on the coding strand, the complement: DNMT3A is on the minus strand). VCF-style: chr2-25274955-G-A. GRCh37 (hg19) VCF-style: chr2-25497824-G-A.
Other names: c.625C>T, p.Arg209Cys (NM_175629.2); short protein forms R209C.
Identifiers: ClinVar variation 2851000 (VCV002851000.3), dbSNP rs2031271870, ClinGen allele CA346082877.

ClinVar aggregate classification (germline): Uncertain significance (1 of 4 stars; one submission).

Conditions:
Tatton-Brown-Rahman overgrowth syndrome. Also called: Tatton-Brown-Rahman syndrome; Tall stature-intellectual disability-facial dysmorphism syndrome. Identifiers: Orphanet 404443, MedGen C4014545, MONDO:0014382, OMIM 615879.

Submission:

Labcorp Genetics (formerly Invitae), Labcorp
Classification: Uncertain significance for Tatton-Brown-Rahman overgrowth syndrome. Last evaluated: 2023-09-17. Review status: criteria provided, single submitter. Criteria: Invitae Variant Classification Sherloc (09022015). Collection method: clinical testing. Allele origin: germline.
Comment: In summary, the available evidence is currently insufficient to determine the role of this variant in disease. Therefore, it has been classified as a Variant of Uncertain Significance. Advanced modeling of protein sequence and biophysical properties (such as structural, functional, and spatial information, amino acid conservation, physicochemical variation, residue mobility, and thermodynamic stability) performed at Invitae indicates that this missense variant is not expected to disrupt DNMT3A protein function. This variant has not been reported in the literature in individuals affected with DNMT3A-related conditions. This variant is not present in population databases (gnomAD no frequency). This sequence change replaces arginine, which is basic and polar, with cysteine, which is neutral and slightly polar, at codon 209 of the DNMT3A protein (p.Arg209Cys).